The following is an entry in ClinVar:

ClinVar aggregate classification (germline): Uncertain significance (1 of 4 stars; one submission).

Conditions:
Inborn genetic diseases. Identifiers: MedGen C0950123, MeSH D030342.

Submission:

Ambry Genetics
Classification: Uncertain significance for Inborn genetic diseases. Last evaluated: 2023-01-27. Review status: criteria provided, single submitter. Criteria: Ambry Variant Classification Scheme 2023. Collection method: clinical testing. Allele origin: germline.
Comment: The p.A576T variant (also known as c.1726G>A), located in coding exon 15 of the LRRK2 gene, results from a G to A substitution at nucleotide position 1726. The alanine at codon 576 is replaced by threonine, an amino acid with similar properties. This amino acid position is conserved. In addition, this alteration is predicted to be tolerated by in silico analysis. Since supporting evidence is limited at this time, the clinical significance of this alteration remains unclear.

NM_198578.4(LRRK2):c.1726G>A (p.Ala576Thr)

Gene: LRRK2 (leucine rich repeat kinase 2; plus strand). Cytogenetic location: 12q12.
Variant type: single nucleotide variant.
Coding change: c.1726G>A on transcript NM_198578.4 (MANE Select); coding-DNA position 1726, G replaced by A.
Protein change: p.Ala576Thr; replaces alanine 576 with threonine.
Molecular consequence: missense variant.
Genome position (GRCh38, 1-based): chr12:40,274,652, G>A. VCF-style: chr12-40274652-G-A. GRCh37 (hg19) VCF-style: chr12-40668454-G-A.
Other names: short protein forms A576T.
Identifiers: ClinVar variation 2447279 (VCV002447279.2), dbSNP rs1555180067, ClinGen allele CA384403016.